The following is an entry in ClinVar:

Conditions:
Breast-ovarian cancer, familial, susceptibility to, 1 (BROVCA1). Also called: BRCA1 Hereditary Breast and Ovarian Cancer; OVARIAN CANCER, SUSCEPTIBILITY TO. Identifiers: Orphanet 145, MedGen C2676676, MONDO:0011450, OMIM 604370. Disease mechanism: loss of function.

Submission:

Brotman Baty Institute, University of Washington
No classification provided (evidence only). Condition: Breast-ovarian cancer, familial 1. Review status: no classification provided. Collection method: in vitro. Allele origin: not applicable. Functional consequence: functionally_normal.
ClinVar note: "not provided" was previously submitted as the classification for the variant. However, the classification appeared to be based only on an observation of functional data so it was converted to no classification on 2025-07-30.

NM_007294.4(BRCA1):c.5507A>G (p.Glu1836Gly)

Gene: BRCA1 (BRCA1 DNA repair associated; minus strand). Cytogenetic location: 17q21.31.
Variant type: single nucleotide variant.
Coding change: c.5507A>G on transcript NM_007294.4 (MANE Select); coding-DNA position 5507, A replaced by G.
Protein change: p.Glu1836Gly; replaces glutamic acid 1836 with glycine.
Molecular consequence: missense variant. On other transcripts: 3 prime UTR variant (1), non-coding transcript variant (1).
Genome position (GRCh38, 1-based): chr17:43,045,763, T>C on the plus strand (A>G on the coding strand, the complement: BRCA1 is on the minus strand). VCF-style: chr17-43045763-T-C. GRCh37 (hg19) VCF-style: chr17-41197780-T-C.
Other names: c.5507A>G, p.Glu1836Gly (NM_001407605.1, NM_001407593.1, NM_001407594.1 and 5 more transcripts); c.5504A>G, p.Glu1835Gly (NM_001407610.1, NM_001407611.1, NM_001407612.1 and 14 more transcripts); c.5501A>G, p.Glu1834Gly (NM_001407628.1, NM_001407629.1, NM_001407630.1 and 13 more transcripts); c.5450A>G, p.Glu1817Gly (NM_001407648.1); c.5447A>G, p.Glu1816Gly (NM_001407649.1); c.5429A>G, p.Glu1810Gly (NM_001407652.1, NM_001407653.1, NM_001407654.1 and 1 more transcripts); c.5426A>G, p.Glu1809Gly (NM_001407656.1, NM_001407657.1, NM_001407658.1); c.5423A>G, p.Glu1808Gly (NM_001407659.1, NM_001407660.1, NM_001407661.1 and 2 more transcripts); and 74 more; short protein forms E732G, E1857G, E1789G, E1836G, E1539G, E1708G, E1725G, E1746G.
Identifiers: ClinVar variation 868603 (VCV000868603.3), dbSNP rs2050878133, ClinGen allele CA10590301.